The following is an entry in ClinVar:

NM_001330360.2(POLA1):c.2584A>C (p.Ile862Leu)

Gene: POLA1 (DNA polymerase alpha 1, catalytic subunit; plus strand). Cytogenetic location: Xp22.11.
Variant type: single nucleotide variant.
Coding change: c.2584A>C on transcript NM_001330360.2 (MANE Select); coding-DNA position 2584, A replaced by C.
Protein change: p.Ile862Leu; replaces isoleucine 862 with leucine.
Molecular consequence: missense variant. On other transcripts: non-coding transcript variant (2).
Genome position (GRCh38, 1-based): chrX:24,745,435, A>C. VCF-style: chrX-24745435-A-C. GRCh37 (hg19) VCF-style: chrX-24763552-A-C.
Other names: c.2509A>C, p.Ile837Leu (NM_001378303.1); c.2566A>C, p.Ile856Leu (NM_016937.4); short protein forms I837L, I862L, I856L.
Identifiers: ClinVar variation 2111423 (VCV002111423.4), dbSNP rs2518848524, ClinGen allele CA412537687.
Genomic context (GRCh38, chrX:24,745,435, plus strand): 5'-TGCTTTTCTTTAGACTTTTTATGACGTGGCTTTTTAATTTCAGGTTTTTATGATAAGTTC[A>C]TTTTGCTTCTGGACTTCAACAGTCTATATCCTTCCATCATTCAGGAATTTAACATTTGTT-3'
Protein context (NP_001317289.1, residues 852-872): DPKVGFYDKF[Ile862Leu]LLLDFNSLYP

ClinVar aggregate classification (germline): Uncertain significance (1 of 4 stars; one submission).

gnomAD v4.1: 4 of 1,151,789 alleles (0.00035%); highest among the groups gnomAD compares: Non-Finnish European, 0.00047%; no homozygotes.

Submission:

Labcorp Genetics (formerly Invitae), Labcorp
Classification: Uncertain significance. Last evaluated: 2025-02-25. Review status: criteria provided, single submitter. Criteria: Invitae Variant Classification Sherloc (09022015). Collection method: clinical testing. Allele origin: germline.
Comment: This sequence change replaces isoleucine, which is neutral and non-polar, with leucine, which is neutral and non-polar, at codon 856 of the POLA1 protein (p.Ile856Leu). This variant is not present in population databases (gnomAD no frequency). This variant has not been reported in the literature in individuals affected with POLA1-related conditions. ClinVar contains an entry for this variant (Variation ID: 2111423). Invitae Evidence Modeling of protein sequence and biophysical properties (such as structural, functional, and spatial information, amino acid conservation, physicochemical variation, residue mobility, and thermodynamic stability) indicates that this missense variant is expected to disrupt POLA1 protein function with a positive predictive value of 80%. In summary, the available evidence is currently insufficient to determine the role of this variant in disease. Therefore, it has been classified as a Variant of Uncertain Significance.